The following is an entry in ClinVar:

ClinVar aggregate classification (germline): Uncertain significance (1 of 4 stars; one submission).

Submission:

Labcorp Genetics (formerly Invitae), Labcorp
Classification: Uncertain significance. Last evaluated: 2024-01-29. Review status: criteria provided, single submitter. Criteria: Invitae Variant Classification Sherloc (09022015). Collection method: clinical testing. Allele origin: germline.
Comment: This sequence change replaces glutamic acid, which is acidic and polar, with glutamine, which is neutral and polar, at codon 174 of the MAST1 protein (p.Glu174Gln). This variant is not present in population databases (gnomAD no frequency). This variant has not been reported in the literature in individuals affected with MAST1-related conditions. An algorithm developed to predict the effect of missense changes on protein structure and function (PolyPhen-2) suggests that this variant is likely to be disruptive. In summary, the available evidence is currently insufficient to determine the role of this variant in disease. Therefore, it has been classified as a Variant of Uncertain Significance.

NM_014975.3(MAST1):c.520G>C (p.Glu174Gln)

Genes: MAST1 (microtubule associated serine/threonine kinase 1; plus strand), LOC117125587 (CRISPRi-FlowFISH-validated KLF1 and PRDX2 regulatory element; plus strand). Cytogenetic location: 19p13.13.
Variant type: single nucleotide variant.
Coding change: c.520G>C on transcript NM_014975.3 (MANE Select); coding-DNA position 520, G replaced by C.
Protein change: p.Glu174Gln; replaces glutamic acid 174 with glutamine.
Molecular consequence: missense variant.
Genome position (GRCh38, 1-based): chr19:12,847,643, G>C. VCF-style: chr19-12847643-G-C. GRCh37 (hg19) VCF-style: chr19-12958457-G-C.
Other names: short protein forms E174Q.
Identifiers: ClinVar variation 2714170 (VCV002714170.3), dbSNP rs2512523753, ClinGen allele CA404259852.